The following is an entry in ClinVar:

ClinVar aggregate classification (germline): Benign/Likely benign. Review status: criteria provided, multiple submitters, no conflicts (2 of 4 stars). 5 submissions from 5 submitters: Benign (1); Likely benign (3). 1 of the submissions does not count toward it. Last evaluated 2026-02-01.

Conditions:
Primary ciliary dyskinesia 18. Also called: CILIARY DYSKINESIA, PRIMARY, 18, WITH OR WITHOUT SITUS INVERSUS. Identifiers: Orphanet 244, MedGen C3543825, MONDO:0013940, OMIM 614874.
DNAAF5-related disorder. Also called: DNAAF5-related condition.
Primary ciliary dyskinesia. Also called: Ciliary dyskinesia. Identifiers: Orphanet 244, MedGen C0008780, MONDO:0016575, HP:0012265.

Allele frequency attached by ClinVar (database versions not stated): TOPMed 0.00046; ESP Exome Variant Server 0.00054; 1000 Genomes Project 0.00060; gnomAD 0.00060 and 0.00061; 1000 Genomes Project 30x 0.00062.
gnomAD v4.1: 821 of 1,614,100 alleles (0.051%); highest among the groups gnomAD compares: Middle Eastern, 0.12%; 2 homozygotes.

Submissions (5):

Labcorp Genetics (formerly Invitae), Labcorp
Classification: Likely benign for Primary ciliary dyskinesia. Last evaluated: 2026-02-01. Review status: criteria provided, single submitter. Criteria: Invitae Variant Classification Sherloc (09022015). Collection method: clinical testing. Allele origin: germline.

ARUP Laboratories, Molecular Genetics and Genomics, ARUP Laboratories
Classification: Likely benign for Primary ciliary dyskinesia 18. Last evaluated: 2023-10-09. Review status: criteria provided, single submitter. Criteria: ARUP Molecular Germline Variant Investigation Process 2024. Collection method: clinical testing. Allele origin: germline.

Ambry Genetics
Classification: Benign for Primary ciliary dyskinesia. Last evaluated: 2017-06-09. Review status: criteria provided, single submitter. Criteria: Ambry Variant Classification Scheme 2023. Collection method: clinical testing. Allele origin: germline.

Breakthrough Genomics
Classification: Likely benign. Review status: criteria provided, single submitter. Criteria: ACMG Guidelines, 2015. Collection method: not provided. Allele origin: germline. Inheritance: Autosomal recessive inheritance. Affected: yes.

PreventionGenetics, part of Exact Sciences
Classification: Likely benign for DNAAF5-related condition. Last evaluated: 2020-04-08. Review status: no assertion criteria provided. Collection method: clinical testing. Allele origin: germline. Not counted in ClinVar's aggregate classification.
Comment: This variant is classified as likely benign based on ACMG/AMP sequence variant interpretation guidelines (Richards et al. 2015 PMID: 25741868, with internal and published modifications).

NM_017802.4(DNAAF5):c.640C>G (p.Gln214Glu)

Gene: DNAAF5 (dynein axonemal assembly factor 5; plus strand). Cytogenetic location: 7p22.3.
Variant type: single nucleotide variant.
Coding change: c.640C>G on transcript NM_017802.4 (MANE Select); coding-DNA position 640, C replaced by G.
Protein change: p.Gln214Glu; replaces glutamine 214 with glutamic acid.
Molecular consequence: missense variant.
Genome position (GRCh38, 1-based): chr7:729,707, C>G. VCF-style: chr7-729707-C-G. GRCh37 (hg19) VCF-style: chr7-769344-C-G.
Other names: short protein forms Q214E.
Identifiers: ClinVar variation 525483 (VCV000525483.26), dbSNP rs149980915, ClinGen allele CA4110389.
Genomic context (GRCh38, chr7:729,707, plus strand): 5'-CCTCCCTGTCCCTCAGACCACTTCCACATGCAGTCGGAGTCTCTGATCGGGCCCCTGATG[C>G]AGACCATCTCCCACCAGCACTGGAAGGTCCGTGTGGCCGCCATTGAAGCCACAGGCGCAG-3'
Protein context (NP_060272.3, residues 204-224): QSESLIGPLM[Gln214Glu]TISHQHWKVR